The following is an entry in ClinVar:

NM_000209.4(PDX1):c.636G>C (p.Gly212=)

Gene: PDX1 (pancreatic and duodenal homeobox 1; plus strand). Cytogenetic location: 13q12.2.
Variant type: single nucleotide variant.
Coding change: c.636G>C on transcript NM_000209.4 (MANE Select); coding-DNA position 636, G replaced by C.
Protein change: p.Gly212=; no amino-acid change (glycine 212 retained).
Molecular consequence: synonymous variant.
Genome position (GRCh38, 1-based): chr13:27,924,485, G>C. VCF-style: chr13-27924485-G-C. GRCh37 (hg19) VCF-style: chr13-28498622-G-C.
Identifiers: ClinVar variation 3054581 (VCV003054581.2), dbSNP rs765415673, ClinGen allele CA6927692.

ClinVar aggregate classification (germline): Likely benign (0 of 4 stars; one submission).

Conditions:
PDX1-related disorder. Also called: PDX1-related disorders; PDX1-related condition.

gnomAD v4.1: 1 of 1,612,542 alleles (0.000062%); highest among the groups gnomAD compares: Admixed American, 0.0017%; no homozygotes.

Submission:

PreventionGenetics, part of Exact Sciences
Classification: Likely benign for PDX1-related condition. Last evaluated: 2020-08-03. Review status: no assertion criteria provided. Collection method: clinical testing. Allele origin: germline.
Comment: This variant is classified as likely benign based on ACMG/AMP sequence variant interpretation guidelines (Richards et al. 2015 PMID: 25741868, with internal and published modifications).